The following is an entry in ClinVar:

NM_001006658.3(CR2):c.3251C>A (p.Ser1084Tyr)

Gene: CR2 (complement C3d receptor 2; plus strand). Cytogenetic location: 1q32.2.
Variant type: single nucleotide variant.
Coding change: c.3251C>A on transcript NM_001006658.3 (MANE Select); coding-DNA position 3251, C replaced by A.
Protein change: p.Ser1084Tyr; replaces serine 1084 with tyrosine.
Molecular consequence: missense variant.
Genome position (GRCh38, 1-based): chr1:207,485,526, C>A. VCF-style: chr1-207485526-C-A. GRCh37 (hg19) VCF-style: chr1-207658871-C-A.
Other names: c.3074C>A, p.Ser1025Tyr (NM_001877.5); short protein forms S1084Y, S1025Y.
Identifiers: ClinVar variation 473100 (VCV000473100.12), dbSNP rs142273168, ClinGen allele CA1369203.

ClinVar aggregate classification (germline): Uncertain significance. Review status: criteria provided, multiple submitters, no conflicts (2 of 4 stars). 4 submissions from 4 submitters: Uncertain significance (4). Last evaluated 2026-01-23.

Conditions:
Inborn genetic diseases. Identifiers: MedGen C0950123, MeSH D030342.
Immunodeficiency, common variable, 7. Identifiers: Orphanet 1572, Orphanet 696894, MedGen C3542922, MONDO:0013862, OMIM 614699.

Allele frequency attached by ClinVar (database versions not stated): ESP Exome Variant Server 0.00031; gnomAD 0.00037 and 0.00041; gnomAD exomes 0.00003 and 0.00008; ExAC 0.00008; TOPMed 0.00045.
gnomAD v4.1: 103 of 1,612,762 alleles (0.0064%); highest among the groups gnomAD compares: African/African-American, 0.13%; no homozygotes.

Submissions (4):

Women's Health and Genetics/Laboratory Corporation of America, LabCorp
Classification: Uncertain significance. Last evaluated: 2026-01-23. Review status: criteria provided, single submitter. Criteria: LabCorp Variant Classification Summary - May 2015. Collection method: clinical testing. Allele origin: germline.

Labcorp Genetics (formerly Invitae), Labcorp
Classification: Uncertain significance for Immunodeficiency, common variable, 7. Last evaluated: 2025-09-23. Review status: criteria provided, single submitter. Criteria: Invitae Variant Classification Sherloc (09022015). Collection method: clinical testing. Allele origin: germline.
Comment: This sequence change replaces serine, which is neutral and polar, with tyrosine, which is neutral and polar, at codon 1084 of the CR2 protein (p.Ser1084Tyr). This variant is present in population databases (rs142273168, gnomAD 0.1%). This variant has not been reported in the literature in individuals affected with CR2-related conditions. ClinVar contains an entry for this variant (Variation ID: 473100). An algorithm developed to predict the effect of missense changes on protein structure and function (PolyPhen-2) suggests that this variant is likely to be disruptive. In summary, the available evidence is currently insufficient to determine the role of this variant in disease. Therefore, it has been classified as a Variant of Uncertain Significance.

Ambry Genetics
Classification: Uncertain significance for Inborn genetic diseases. Last evaluated: 2025-04-14. Review status: criteria provided, single submitter. Criteria: Ambry Variant Classification Scheme 2023. Collection method: clinical testing. Allele origin: germline.

Genome-Nilou Lab
Classification: Uncertain significance for Immunodeficiency, common variable, 7. Last evaluated: 2023-04-11. Review status: criteria provided, single submitter. Criteria: ACMG Guidelines, 2015. Collection method: clinical testing. Allele origin: germline. Affected: no.